The following is an entry in ClinVar:

ClinVar aggregate classification (germline): Uncertain significance (1 of 4 stars; one submission).

Conditions:
Episodic ataxia type 2 (EA2). Also called: ATAXIA, EPISODIC, WITH NYSTAGMUS; ATAXIA, FAMILIAL PAROXYSMAL; CEREBELLAR ATAXIA, PAROXYSMAL, ACETAZOLAMIDE-RESPONSIVE; CEREBELLOPATHY, HEREDITARY PAROXYSMAL; EPISODIC ATAXIA, NYSTAGMUS-ASSOCIATED; ACETAZOLAMIDE-RESPONSIVE HEREDITARY PAROXYSMAL CEREBELLAR ATAXIA. Identifiers: Orphanet 97, MedGen C1720416, MONDO:0007163, OMIM 108500.
Developmental and epileptic encephalopathy, 42 (DEE42A). Also called: Epileptic encephalopathy, early infantile, 42; DEVELOPMENTAL AND EPILEPTIC ENCEPHALOPATHY 42A; EPILEPTIC ENCEPHALOPATHY, EARLY INFANTILE, 42A. Identifiers: MedGen C4310716, MONDO:0014917, OMIM 617106.

Submission:

Labcorp Genetics (formerly Invitae), Labcorp
Classification: Uncertain significance for Developmental and epileptic encephalopathy, 42; Episodic ataxia type 2. Last evaluated: 2020-03-23. Review status: criteria provided, single submitter. Criteria: Invitae Variant Classification Sherloc (09022015). Collection method: clinical testing. Allele origin: germline.
Comment: This variant is not present in population databases (ExAC no frequency). This sequence change replaces threonine with methionine at codon 1458 of the CACNA1A protein (p.Thr1458Met). The threonine residue is highly conserved and there is a moderate physicochemical difference between threonine and methionine. This variant has not been reported in the literature in individuals with CACNA1A-related conditions. In summary, the available evidence is currently insufficient to determine the role of this variant in disease. Therefore, it has been classified as a Variant of Uncertain Significance. Algorithms developed to predict the effect of missense changes on protein structure and function (SIFT, PolyPhen-2, Align-GVGD) all suggest that this variant is likely to be disruptive, but these predictions have not been confirmed by published functional studies and their clinical significance is uncertain.

NM_001127222.2(CACNA1A):c.4370C>T (p.Thr1457Met)

Gene: CACNA1A (calcium voltage-gated channel subunit alpha1 A; minus strand). Cytogenetic location: 19p13.13.
Variant type: single nucleotide variant.
Coding change: c.4370C>T on transcript NM_001127222.2 (MANE Select); coding-DNA position 4370, C replaced by T.
Protein change: p.Thr1457Met; replaces threonine 1457 with methionine.
Molecular consequence: missense variant.
Genome position (GRCh38, 1-based): chr19:13,259,582, G>A on the plus strand (C>T on the coding strand, the complement: CACNA1A is on the minus strand). VCF-style: chr19-13259582-G-A. GRCh37 (hg19) VCF-style: chr19-13370396-G-A.
Other names: c.4382C>T, p.Thr1461Met (NM_000068.4, NM_023035.3); c.4373C>T, p.Thr1458Met (NM_001127221.2, NM_001174080.2); short protein forms T1457M, T1461M, T1458M.
Identifiers: ClinVar variation 834930 (VCV000834930.10), dbSNP rs2056673232, ClinGen allele CA404339234.